The following is an entry in ClinVar:

NM_001267550.2(TTN):c.74517T>G (p.Ser24839Arg)

Genes: TTN (titin; minus strand), TTN-AS1 (TTN antisense RNA 1; plus strand). Cytogenetic location: 2q31.2.
Variant type: single nucleotide variant.
Coding change: c.74517T>G on transcript NM_001267550.2 (MANE Select); coding-DNA position 74517, T replaced by G.
Protein change: p.Ser24839Arg; replaces serine 24839 with arginine.
Molecular consequence: missense variant.
Genome position (GRCh38, 1-based): chr2:178,571,615, A>C on the plus strand (T>G on the coding strand, the complement: TTN is on the minus strand). VCF-style: chr2-178571615-A-C. GRCh37 (hg19) VCF-style: chr2-179436342-A-C.
Other names: c.69594T>G, p.Ser23198Arg (NM_001256850.1); c.47322T>G, p.Ser15774Arg (NM_003319.4); c.66813T>G, p.Ser22271Arg (NM_133378.4); c.47697T>G, p.Ser15899Arg (NM_133432.3); c.47898T>G, p.Ser15966Arg (NM_133437.4); short protein forms S15774R, S15899R, S15966R, S22271R, S23198R, S24839R.
Identifiers: ClinVar variation 4538889 (VCV004538889.1).

ClinVar aggregate classification (germline): Uncertain significance (1 of 4 stars; one submission).

gnomAD v4.1: 22 of 1,613,116 alleles (0.0014%); highest among the groups gnomAD compares: Non-Finnish European, 0.0018%; no homozygotes.

Submission:

GeneDx
Classification: Uncertain significance. Last evaluated: 2025-06-17. Review status: criteria provided, single submitter. Criteria: GeneDx Variant Classification Process June 2021. Collection method: clinical testing. Allele origin: germline. Affected: yes.
Comment: Not observed at significant frequency in large population cohorts (gnomAD); Missense variant in a gene in which most reported pathogenic variants are truncating/loss of function; Has not been previously published as pathogenic or benign to our knowledge